The following is an entry in ClinVar:

NM_000256.3(MYBPC3):c.2876C>T (p.Thr959Met)

Gene: MYBPC3 (myosin binding protein C3; minus strand). Cytogenetic location: 11p11.2.
Variant type: single nucleotide variant.
Coding change: c.2876C>T on transcript NM_000256.3 (MANE Select); coding-DNA position 2876, C replaced by T.
Protein change: p.Thr959Met; replaces threonine 959 with methionine.
Molecular consequence: missense variant.
Genome position (GRCh38, 1-based): chr11:47,335,071, G>A on the plus strand (C>T on the coding strand, the complement: MYBPC3 is on the minus strand). VCF-style: chr11-47335071-G-A. GRCh37 (hg19) VCF-style: chr11-47356622-G-A.
Other names: p.T959M:ACG>ATG; c.2876C>T, p.Thr959Met (LRG_386t1); short protein forms T959M.
Identifiers: ClinVar variation 181131 (VCV000181131.14), dbSNP rs730880697, ClinGen allele CA013101.

ClinVar aggregate classification (germline): Conflicting classifications of pathogenicity. Review status: criteria provided, conflicting classifications (1 of 4 stars). 4 submissions from 4 submitters: Uncertain significance (3); Likely benign (1). Last evaluated 2025-12-01.

Conditions:
Cardiovascular phenotype. Identifiers: MedGen CN230736.
Cardiomyopathy (CMYO). Also called: Cardiomyopathies. Identifiers: Orphanet 167848, MedGen C0878544, MONDO:0004994, HP:0001638. Inheritance: Various modes of inheritance.
Hypertrophic cardiomyopathy. Also called: HYPERTROPHIC MYOCARDIOPATHY. Identifiers: Orphanet 217569, MedGen C0007194, MeSH D002312, MONDO:0005045, HP:0001639.

Allele frequency attached by ClinVar (database versions not stated): gnomAD below 0.00001 and 0.00001; gnomAD exomes below 0.00001; ExAC 0.00001.
gnomAD v4.1: 8 of 1,589,550 alleles (0.0005%); highest among the groups gnomAD compares: South Asian, 0.0045%; no homozygotes.

Submissions (4):

Ambry Genetics
Classification: Likely benign for Cardiovascular phenotype. Last evaluated: 2025-12-01. Review status: criteria provided, single submitter. Criteria: Ambry Variant Classification Scheme 2023. Collection method: clinical testing. Allele origin: germline.

Color Diagnostics, LLC DBA Color Health
Classification: Uncertain significance for Cardiomyopathy. Last evaluated: 2025-09-11. Review status: criteria provided, single submitter. Criteria: ACMG Guidelines, 2015. Collection method: clinical testing. Allele origin: germline.
Comment: This missense variant replaces threonine with methionine at codon 959 of the MYBPC3 protein. Computational prediction suggests that this variant may not impact protein structure and function. To our knowledge, functional studies have not been reported for this variant. This variant has not been reported in individuals affected with MYBPC3-related disorders in the literature. This variant has been identified in 1/232898 chromosomes in the general population by the Genome Aggregation Database (gnomAD). The available evidence is insufficient to determine the role of this variant in disease conclusively. Therefore, this variant is classified as a Variant of Uncertain Significance.

GeneDx
Classification: Uncertain significance. Last evaluated: 2022-08-24. Review status: criteria provided, single submitter. Criteria: GeneDx Variant Classification Process June 2021. Collection method: clinical testing. Allele origin: germline. Affected: yes.
Comment: Has not been previously published as pathogenic or benign to our knowledge; Not observed at significant frequency in large population cohorts (gnomAD); In silico analysis supports that this missense variant does not alter protein structure/function

Labcorp Genetics (formerly Invitae), Labcorp
Classification: Uncertain significance for Hypertrophic cardiomyopathy. Last evaluated: 2019-04-05. Review status: criteria provided, single submitter. Criteria: Invitae Variant Classification Sherloc (09022015). Collection method: clinical testing. Allele origin: germline.
Comment: This variant is present in population databases (rs730880697, ExAC 0.009%). In summary, the available evidence is currently insufficient to determine the role of this variant in disease. Therefore, it has been classified as a Variant of Uncertain Significance. Algorithms developed to predict the effect of missense changes on protein structure and function are either unavailable or do not agree on the potential impact of this missense change (SIFT: "Deleterious"; PolyPhen-2: "Benign"; Align-GVGD: "Class C0"). This variant has not been reported in the literature in individuals with MYBPC3-related conditions. ClinVar contains an entry for this variant (Variation ID: 181131). This sequence change replaces threonine with methionine at codon 959 of the MYBPC3 protein (p.Thr959Met). The threonine residue is weakly conserved and there is a moderate physicochemical difference between threonine and methionine.